The following is an entry in ClinVar:

ClinVar aggregate classification (germline): Uncertain significance (1 of 4 stars; one submission).

Conditions:
Myopathy, centronuclear, 2 (CNM2). Also called: MYOTUBULAR MYOPATHY, AUTOSOMAL RECESSIVE. Identifiers: Orphanet 169186, MedGen CN031787, MONDO:0009709, OMIM 255200.

Allele frequency attached by ClinVar (database versions not stated): gnomAD below 0.00001 and 0.00003; TOPMed below 0.00001; gnomAD exomes 0.00005 and 0.00013; 1000 Genomes Project 0.00020; 1000 Genomes Project 30x 0.00031; ExAC 0.00016.
gnomAD v4.1: 79 of 1,611,928 alleles (0.0049%); highest among the groups gnomAD compares: South Asian, 0.083%; 1 homozygote.

Submission:

Labcorp Genetics (formerly Invitae), Labcorp
Classification: Uncertain significance for Myopathy, centronuclear, 2. Last evaluated: 2025-08-16. Review status: criteria provided, single submitter. Criteria: Invitae Variant Classification Sherloc (09022015). Collection method: clinical testing. Allele origin: germline.
Comment: This sequence change replaces glutamic acid, which is acidic and polar, with aspartic acid, which is acidic and polar, at codon 3 of the BIN1 protein (p.Glu3Asp). This variant is present in population databases (rs558639756, gnomAD 0.1%). This variant has not been reported in the literature in individuals affected with BIN1-related conditions. ClinVar contains an entry for this variant (Variation ID: 461714). Invitae Evidence Modeling of protein sequence and biophysical properties (such as structural, functional, and spatial information, amino acid conservation, physicochemical variation, residue mobility, and thermodynamic stability) indicates that this missense variant is not expected to disrupt BIN1 protein function with a negative predictive value of 80%. In summary, the available evidence is currently insufficient to determine the role of this variant in disease. Therefore, it has been classified as a Variant of Uncertain Significance.

NM_139343.3(BIN1):c.9G>C (p.Glu3Asp)

Gene: BIN1 (bridging integrator 1; minus strand). Cytogenetic location: 2q14.3.
Variant type: single nucleotide variant.
Coding change: c.9G>C on transcript NM_139343.3 (MANE Select); coding-DNA position 9, G replaced by C.
Protein change: p.Glu3Asp; replaces glutamic acid 3 with aspartic acid.
Molecular consequence: missense variant.
Genome position (GRCh38, 1-based): chr2:127,106,935, C>G on the plus strand (G>C on the coding strand, the complement: BIN1 is on the minus strand). VCF-style: chr2-127106935-C-G. GRCh37 (hg19) VCF-style: chr2-127864511-C-G.
Other names: c.9G>C, p.Glu3Asp (NM_001320632.2, NM_001320633.2, NM_001320640.2 and 10 more transcripts); short protein forms E3D.
Identifiers: ClinVar variation 461714 (VCV000461714.9), dbSNP rs558639756, ClinGen allele CA1857627.